The following is an entry in ClinVar:

ClinVar aggregate classification (germline): Likely benign. Review status: criteria provided, multiple submitters, no conflicts (2 of 4 stars). 3 submissions from 3 submitters: Likely benign (3). Last evaluated 2025-09-30.

Conditions:
ABCA4-related disorder. Also called: ABCA4-related condition; ABCA4-related disorders. Identifiers: MedGen CN239167.

Allele frequency attached by ClinVar (database versions not stated): ExAC 0.00001; gnomAD 0.00001 and 0.00002; TOPMed 0.00001; gnomAD exomes 0.00002 and 0.00003.
gnomAD v4.1: 44 of 1,613,960 alleles (0.0027%); highest among the groups gnomAD compares: Non-Finnish European, 0.0037%; no homozygotes.

Submissions (3):

PreventionGenetics, part of Exact Sciences
Classification: Likely benign for ABCA4-related condition. Last evaluated: 2025-09-30. Review status: criteria provided, single submitter. Criteria: ACMG Guidelines, 2015. Collection method: clinical testing. Allele origin: germline.
Comment: This variant is classified as likely benign based on ACMG/AMP sequence variant interpretation guidelines (Richards et al. 2015 PMID: 25741868, with internal and published modifications).

Labcorp Genetics (formerly Invitae), Labcorp
Classification: Likely benign. Last evaluated: 2024-02-03. Review status: criteria provided, single submitter. Criteria: Invitae Variant Classification Sherloc (09022015). Collection method: clinical testing. Allele origin: germline.

Blueprint Genetics
Classification: Likely benign. Last evaluated: 2022-11-29. Review status: criteria provided, single submitter. Criteria: ACMG Guidelines, 2015. Collection method: clinical testing. Allele origin: germline.

NM_000350.3(ABCA4):c.5585-6G>A

Gene: ABCA4 (ATP binding cassette subfamily A member 4; minus strand). Cytogenetic location: 1p22.1.
Variant type: single nucleotide variant.
Coding change: c.5585-6G>A on transcript NM_000350.3 (MANE Select); 6 bases into the intron before coding-DNA position 5585, G replaced by A.
Molecular consequence: intron variant.
Genome position (GRCh38, 1-based): chr1:94,010,935, C>T on the plus strand (G>A on the coding strand, the complement: ABCA4 is on the minus strand). VCF-style: chr1-94010935-C-T. GRCh37 (hg19) VCF-style: chr1-94476491-C-T.
Other names: c.5585-6G>A (NM_000350.2).
Identifiers: ClinVar variation 1154511 (VCV001154511.11), dbSNP rs767919716, ClinGen allele CA957201.